The following is an entry in ClinVar:

Conditions:
Breast-ovarian cancer, familial, susceptibility to, 1 (BROVCA1). Also called: BRCA1 Hereditary Breast and Ovarian Cancer; OVARIAN CANCER, SUSCEPTIBILITY TO. Identifiers: Orphanet 145, MedGen C2676676, MONDO:0011450, OMIM 604370. Disease mechanism: loss of function.

Submission:

Brotman Baty Institute, University of Washington
No classification provided (evidence only). Condition: Breast-ovarian cancer, familial 1. Review status: no classification provided. Collection method: in vitro. Allele origin: not applicable. Functional consequence: functionally_normal.
ClinVar note: "not provided" was previously submitted as the classification for the variant. However, the classification appeared to be based only on an observation of functional data so it was converted to no classification on 2025-07-30.

NM_007294.4(BRCA1):c.5485G>C (p.Glu1829Gln)

Gene: BRCA1 (BRCA1 DNA repair associated; minus strand). Cytogenetic location: 17q21.31.
Variant type: single nucleotide variant.
Coding change: c.5485G>C on transcript NM_007294.4 (MANE Select); coding-DNA position 5485, G replaced by C.
Protein change: p.Glu1829Gln; replaces glutamic acid 1829 with glutamine.
Molecular consequence: missense variant. On other transcripts: stop lost (17), non-coding transcript variant (1).
Genome position (GRCh38, 1-based): chr17:43,045,785, C>G on the plus strand (G>C on the coding strand, the complement: BRCA1 is on the minus strand). VCF-style: chr17-43045785-C-G. GRCh37 (hg19) VCF-style: chr17-41197802-C-G.
Other names: *700S; c.5479G>C, p.Glu1827Gln (NM_001407628.1, NM_001407629.1, NM_001407630.1 and 13 more transcripts); c.5482G>C, p.Glu1828Gln (NM_001407615.1, NM_001407616.1, NM_001407617.1 and 14 more transcripts); c.5428G>C, p.Glu1810Gln (NM_001407648.1); c.5425G>C, p.Glu1809Gln (NM_001407649.1); c.5407G>C, p.Glu1803Gln (NM_001407652.1, NM_001407653.1, NM_001407654.1 and 1 more transcripts); c.5404G>C, p.Glu1802Gln (NM_001407656.1, NM_001407657.1, NM_001407658.1); c.5401G>C, p.Glu1801Gln (NM_001407659.1, NM_001407660.1, NM_001407661.1 and 2 more transcripts); and 84 more; short protein forms E1829Q, E725Q, E1782Q, E1850Q, E1700Q, E1701Q, E1716Q, E1745Q.
Identifiers: ClinVar variation 868583 (VCV000868583.3), dbSNP rs869320789, ClinGen allele CA10590339.